The following is an entry in ClinVar:

ClinVar aggregate classification (germline): Uncertain significance (1 of 4 stars; one submission).

Submission:

Labcorp Genetics (formerly Invitae), Labcorp
Classification: Uncertain significance. Last evaluated: 2022-09-01. Review status: criteria provided, single submitter. Criteria: Invitae Variant Classification Sherloc (09022015). Collection method: clinical testing. Allele origin: germline.
Comment: This sequence change replaces alanine, which is neutral and non-polar, with proline, which is neutral and non-polar, at codon 48 of the IARS2 protein (p.Ala48Pro). This variant is not present in population databases (gnomAD no frequency). This variant has not been reported in the literature in individuals affected with IARS2-related conditions. Algorithms developed to predict the effect of missense changes on protein structure and function are either unavailable or do not agree on the potential impact of this missense change (SIFT: "Tolerated"; PolyPhen-2: "Possibly Damaging"; Align-GVGD: "Class C0"). In summary, the available evidence is currently insufficient to determine the role of this variant in disease. Therefore, it has been classified as a Variant of Uncertain Significance.

NM_018060.4(IARS2):c.142G>C (p.Ala48Pro)

Gene: IARS2 (isoleucyl-tRNA synthetase 2, mitochondrial; plus strand). Cytogenetic location: 1q41.
Variant type: single nucleotide variant.
Coding change: c.142G>C on transcript NM_018060.4 (MANE Select); coding-DNA position 142, G replaced by C.
Protein change: p.Ala48Pro; replaces alanine 48 with proline.
Molecular consequence: missense variant.
Genome position (GRCh38, 1-based): chr1:220,094,358, G>C. VCF-style: chr1-220094358-G-C. GRCh37 (hg19) VCF-style: chr1-220267700-G-C.
Other names: short protein forms A48P.
Identifiers: ClinVar variation 2006074 (VCV002006074.4), dbSNP rs1039302177, ClinGen allele CA344619421.